The following is an entry in ClinVar:

NM_002860.4(ALDH18A1):c.1110G>A (p.Ala370=)

Gene: ALDH18A1 (aldehyde dehydrogenase 18 family member A1; minus strand). Cytogenetic location: 10q24.1.
Variant type: single nucleotide variant.
Coding change: c.1110G>A on transcript NM_002860.4 (MANE Select); coding-DNA position 1110, G replaced by A.
Protein change: p.Ala370=; no amino-acid change (alanine 370 retained).
Molecular consequence: synonymous variant.
Genome position (GRCh38, 1-based): chr10:95,626,745, C>T on the plus strand (G>A on the coding strand, the complement: ALDH18A1 is on the minus strand). VCF-style: chr10-95626745-C-T. GRCh37 (hg19) VCF-style: chr10-97386502-C-T.
Other names: c.1104G>A, p.Ala368= (NM_001017423.2, NM_001323415.2); c.777G>A, p.Ala259= (NM_001323412.2, NM_001323416.2); c.1110G>A, p.Ala370= (NM_001323413.2, NM_001323414.2); c.1005G>A, p.Ala335= (NM_001323417.2); c.771G>A, p.Ala257= (NM_001323418.2); c.474G>A, p.Ala158= (NM_001323419.2).
Identifiers: ClinVar variation 392808 (VCV000392808.10), dbSNP rs558532112, ClinGen allele CA5620420.

ClinVar aggregate classification (germline): Likely benign. Review status: criteria provided, multiple submitters, no conflicts (2 of 4 stars). 3 submissions from 3 submitters: Likely benign (3). Last evaluated 2025-03-19.

Conditions:
Autosomal dominant spastic paraplegia type 9. Identifiers: MedGen C1832669, MONDO:0015091.
de Barsy syndrome. Also called: Cutis laxa-corneal clouding-oligophrenia syndrome. Identifiers: Orphanet 2962, MedGen C0268354, MONDO:0017569.
Cutis laxa, autosomal dominant 3 (ADCL3). Identifiers: Orphanet 90348, MedGen C4225268, MONDO:0014706, OMIM 616603.

Allele frequency attached by ClinVar (database versions not stated): TOPMed below 0.00001; ExAC 0.00001; gnomAD exomes 0.00002; gnomAD 0.00003.
gnomAD v4.1: 37 of 1,613,940 alleles (0.0023%); highest among the groups gnomAD compares: Non-Finnish European, 0.003%; no homozygotes.

Submissions (3):

Labcorp Genetics (formerly Invitae), Labcorp
Classification: Likely benign for Autosomal dominant spastic paraplegia type 9; de Barsy syndrome; Cutis laxa, autosomal dominant 3. Last evaluated: 2025-03-19. Review status: criteria provided, single submitter. Criteria: Invitae Variant Classification Sherloc (09022015). Collection method: clinical testing. Allele origin: germline.

Blueprint Genetics
Classification: Likely benign. Last evaluated: 2023-03-07. Review status: criteria provided, single submitter. Criteria: ACMG Guidelines, 2015. Collection method: clinical testing. Allele origin: germline.

GeneDx
Classification: Likely benign. Last evaluated: 2017-01-11. Review status: criteria provided, single submitter. Criteria: GeneDx Variant Classification (06012015). Collection method: clinical testing. Allele origin: germline. Affected: yes.
Comment: This variant is considered likely benign or benign based on one or more of the following criteria: it is a conservative change, it occurs at a poorly conserved position in the protein, it is predicted to be benign by multiple in silico algorithms, and/or has population frequency not consistent with disease.